The following is an entry in ClinVar:

NM_000361.3(THBD):c.1004C>T (p.Pro335Leu)

Gene: THBD (thrombomodulin; minus strand). Cytogenetic location: 20p11.21.
Variant type: single nucleotide variant.
Coding change: c.1004C>T on transcript NM_000361.3 (MANE Select); coding-DNA position 1004, C replaced by T.
Protein change: p.Pro335Leu; replaces proline 335 with leucine.
Molecular consequence: missense variant.
Genome position (GRCh38, 1-based): chr20:23,048,501, G>A on the plus strand (C>T on the coding strand, the complement: THBD is on the minus strand). VCF-style: chr20-23048501-G-A. GRCh37 (hg19) VCF-style: chr20-23029138-G-A.
Other names: short protein forms P335L.
Identifiers: ClinVar variation 1352554 (VCV001352554.6), dbSNP rs1420380385, ClinGen allele CA408406483.
Genomic context (GRCh38, chr20:23,048,501, plus strand): 5'-TAGTTAGGGTAGCAGTGGCACTCGAAGCCACCCTGTGTGTTGACACAGCGCTGCGGACAC[G>A]GACTGGGCTCCAGTATGCAGTCATCCACGTCCTCGCACCGGTGTTGGTCGGCCGCCAGCC-3'
Protein context (NP_000352.1, residues 325-345): DVDDCILEPS[Pro335Leu]CPQRCVNTQG

ClinVar aggregate classification (germline): Uncertain significance (1 of 4 stars; one submission).

Allele frequency attached by ClinVar (database versions not stated): gnomAD 0.00001; TOPMed 0.00001.

Submission:

Labcorp Genetics (formerly Invitae), Labcorp
Classification: Uncertain significance. Last evaluated: 2021-10-09. Review status: criteria provided, single submitter. Criteria: Invitae Variant Classification Sherloc (09022015). Collection method: clinical testing. Allele origin: germline.
Comment: In summary, the available evidence is currently insufficient to determine the role of this variant in disease. Therefore, it has been classified as a Variant of Uncertain Significance. Algorithms developed to predict the effect of missense changes on protein structure and function output the following: SIFT: "Tolerated"; PolyPhen-2: "Benign"; Align-GVGD: "Class C0". The leucine amino acid residue is found in multiple mammalian species, which suggests that this missense change does not adversely affect protein function. This variant has not been reported in the literature in individuals affected with THBD-related conditions. This variant is not present in population databases (ExAC no frequency). This sequence change replaces proline with leucine at codon 335 of the THBD protein (p.Pro335Leu). The proline residue is moderately conserved and there is a moderate physicochemical difference between proline and leucine.